The following is an entry in ClinVar:

ClinVar aggregate classification (germline): Uncertain significance. Review status: criteria provided, multiple submitters, no conflicts (2 of 4 stars). 2 submissions from 2 submitters: Uncertain significance (2). Last evaluated 2025-06-22.

Conditions:
Cardiovascular phenotype. Identifiers: MedGen CN230736.
Long QT syndrome (LQTS). Identifiers: MedGen C0023976, MeSH D008133, MONDO:0002442. Disease mechanism: loss of function. Inheritance: Various modes of inheritance.

Allele frequency attached by ClinVar (database versions not stated): 1000 Genomes Project 30x 0.00031; 1000 Genomes Project 0.00020.
gnomAD v4.1: 16 of 1,614,162 alleles (0.00099%); highest among the groups gnomAD compares: African/African-American, 0.016%; no homozygotes.

Submissions (2):

Labcorp Genetics (formerly Invitae), Labcorp
Classification: Uncertain significance for Long QT syndrome. Last evaluated: 2025-06-22. Review status: criteria provided, single submitter. Criteria: Invitae Variant Classification Sherloc (09022015). Collection method: clinical testing. Allele origin: germline.
Comment: This sequence change replaces arginine, which is basic and polar, with leucine, which is neutral and non-polar, at codon 3233 of the AKAP9 protein (p.Arg3233Leu). This variant is present in population databases (rs546024452, gnomAD 0.01%). This variant has not been reported in the literature in individuals affected with AKAP9-related conditions. ClinVar contains an entry for this variant (Variation ID: 2561896). An algorithm developed to predict the effect of missense changes on protein structure and function (PolyPhen-2) suggests that this variant is likely to be tolerated. In summary, the available evidence is currently insufficient to determine the role of this variant in disease. Therefore, it has been classified as a Variant of Uncertain Significance.

Ambry Genetics
Classification: Uncertain significance for Cardiovascular phenotype. Last evaluated: 2023-05-04. Review status: criteria provided, single submitter. Criteria: Ambry Variant Classification Scheme 2023. Collection method: clinical testing. Allele origin: germline.
Comment: The p.R3233L variant (also known as c.9698G>T), located in coding exon 40 of the AKAP9 gene, results from a G to T substitution at nucleotide position 9698. The arginine at codon 3233 is replaced by leucine, an amino acid with dissimilar properties. This amino acid position is not well conserved in available vertebrate species. In addition, this alteration is predicted to be tolerated by in silico analysis. The evidence for this gene-disease relationship is limited; therefore, the clinical significance of this alteration is unclear.

NM_005751.5(AKAP9):c.9698G>T (p.Arg3233Leu)

Gene: AKAP9 (A-kinase anchoring protein 9; plus strand). Cytogenetic location: 7q21.2.
Variant type: single nucleotide variant.
Coding change: c.9698G>T on transcript NM_005751.5 (MANE Select); coding-DNA position 9698, G replaced by T.
Protein change: p.Arg3233Leu; replaces arginine 3233 with leucine.
Molecular consequence: missense variant.
Genome position (GRCh38, 1-based): chr7:92,095,142, G>T. VCF-style: chr7-92095142-G-T. GRCh37 (hg19) VCF-style: chr7-91724456-G-T.
Other names: c.4343G>T, p.Arg1448Leu (NM_001379277.1); c.9674G>T, p.Arg3225Leu (NM_147185.3); short protein forms R1448L, R3233L, R3225L.
Identifiers: ClinVar variation 2561896 (VCV002561896.5), dbSNP rs546024452, ClinGen allele CA4337823.